The following is an entry in ClinVar:

NM_001267550.2(TTN):c.35124T>C (p.His11708=)

Gene: TTN (titin; minus strand). Cytogenetic location: 2q31.2.
Variant type: single nucleotide variant.
Coding change: c.35124T>C on transcript NM_001267550.2 (MANE Select); coding-DNA position 35124, T replaced by C.
Protein change: p.His11708=; no amino-acid change (histidine 11708 retained).
Molecular consequence: synonymous variant. On other transcripts: intron variant (3).
Genome position (GRCh38, 1-based): chr2:178,672,074, A>G on the plus strand (T>C on the coding strand, the complement: TTN is on the minus strand). VCF-style: chr2-178672074-A-G. GRCh37 (hg19) VCF-style: chr2-179536801-A-G.
Other names: c.34002T>C, p.His11334= (NM_001256850.1); c.31221T>C, p.His10407= (NM_133378.4); c.13283-29757T>C (NM_003319.4); c.13859-29757T>C (NM_133437.4); c.13658-29757T>C (NM_133432.3).
Identifiers: ClinVar variation 467050 (VCV000467050.13), dbSNP rs1553809060, ClinGen allele CA430278674.
Genomic context (GRCh38, chr2:178,672,074, plus strand): 5'-AGCCTCAAAAACTTCTATTACCCTATGAACTTTTTCAACTCTGTGTTCTTCTTCAACTCT[A>G]TGTTGTTCTAATTTGATGAATTCTTCTACTTCATGAAACTCGCCTTCTTCAAAATATTCT-3'
Protein context (NP_001254479.2, residues 11698-11718): EVEEFIKLEQ[His11708=]RVEEEHRVEK

ClinVar aggregate classification (germline): Likely benign. Review status: criteria provided, multiple submitters, no conflicts (2 of 4 stars). 3 submissions from 3 submitters: Likely benign (3). Last evaluated 2026-09-21.

Conditions:
Dilated cardiomyopathy 1G (CMD1G). Identifiers: Orphanet 154, MedGen C1858763, MONDO:0011400, OMIM 604145.
Autosomal recessive limb-girdle muscular dystrophy type 2J (LGMDR10). Also called: Limb-girdle muscular dystrophy, type 2J; MUSCULAR DYSTROPHY, LIMB-GIRDLE, AUTOSOMAL RECESSIVE 10. Identifiers: Orphanet 140922, MedGen C1837342, MONDO:0012127, OMIM 608807.

Allele frequency attached by ClinVar (database versions not stated): TOPMed below 0.00001; gnomAD exomes 0.00001.
gnomAD v4.1: 8 of 1,612,156 alleles (0.0005%); highest among the groups gnomAD compares: Non-Finnish European, 0.00068%; no homozygotes.

Submissions (3):

Molecular Diagnostic Laboratory for Inherited Cardiovascular Disease, Montreal Heart Institute
Classification: Likely benign. Last evaluated: 2026-09-21. Review status: criteria provided, single submitter. Criteria: ACMG Guidelines, 2015. Collection method: clinical testing. Allele origin: germline. Affected: no.
Comment: BP7

Labcorp Genetics (formerly Invitae), Labcorp
Classification: Likely benign for Dilated cardiomyopathy 1G; Autosomal recessive limb-girdle muscular dystrophy type 2J. Last evaluated: 2025-01-28. Review status: criteria provided, single submitter. Criteria: Invitae Variant Classification Sherloc (09022015). Collection method: clinical testing. Allele origin: germline.

Blueprint Genetics
Classification: Likely benign. Last evaluated: 2023-05-12. Review status: criteria provided, single submitter. Criteria: ACMG Guidelines, 2015. Collection method: clinical testing. Allele origin: germline.